The following is an entry in ClinVar:

NM_001007553.3(CSDE1):c.1293G>A (p.Thr431=)

Gene: CSDE1 (cold shock domain containing E1; minus strand). Cytogenetic location: 1p13.2.
Variant type: single nucleotide variant.
Coding change: c.1293G>A on transcript NM_001007553.3 (MANE Select); coding-DNA position 1293, G replaced by A.
Protein change: p.Thr431=; no amino-acid change (threonine 431 retained).
Molecular consequence: synonymous variant.
Genome position (GRCh38, 1-based): chr1:114,730,321, C>T on the plus strand (G>A on the coding strand, the complement: CSDE1 is on the minus strand). VCF-style: chr1-114730321-C-T. GRCh37 (hg19) VCF-style: chr1-115272942-C-T.
Other names: c.1338G>A, p.Thr446= (NM_001130523.3); c.1431G>A, p.Thr477= (NM_001242891.2); c.1293G>A, p.Thr431= (NM_001242892.2); c.1200G>A, p.Thr400= (NM_001242893.2, NM_007158.6).
Identifiers: ClinVar variation 4083818 (VCV004083818.8).
Genomic context (GRCh38, chr1:114,730,321, plus strand): 5'-CTCTTTGCCTTTATTTGGGCTAGTGGTTTTAGGATTGGAAAAAGTGGCTTCTTTTTCTAC[C>T]GTGCCCAGAAAACGGTGATCTGAATGGGAATGAAATGAAACCGTGCCCTTGGGAAGTTTT-3'
Protein context (NP_001007554.1, residues 421-441): HSHSDHRFLG[Thr431=]VEKEATFSNP

ClinVar aggregate classification (germline): Likely benign (1 of 4 stars; one submission).

Submission:

CeGaT Center for Human Genetics Tuebingen
Classification: Likely benign. Last evaluated: 2025-07-01. Review status: criteria provided, single submitter. Criteria: CeGaT Center For Human Genetics Tuebingen Variant Classification Criteria Version 2. Collection method: clinical testing. Allele origin: germline. Affected: yes. Observed: 1 variant allele.
Comment: CSDE1: BP4, BP7